The following is an entry in ClinVar:

ClinVar aggregate classification (germline): Uncertain significance (1 of 4 stars; one submission).

Conditions:
Deficiency of adenosine deaminase 2. Also called: Adenosine Deaminase 2 Deficiency; VASCULITIS, AUTOINFLAMMATION, IMMUNODEFICIENCY, AND HEMATOLOGIC DEFECTS SYNDROME; Polyarteritis nodosa, childhoood-onset. Identifiers: Orphanet 404553, MedGen C3887654, MONDO:0014306, OMIM 615688, MONDO:0100317.

Submission:

Labcorp Genetics (formerly Invitae), Labcorp
Classification: Uncertain significance for Deficiency of adenosine deaminase 2. Last evaluated: 2022-03-15. Review status: criteria provided, single submitter. Criteria: Invitae Variant Classification Sherloc (09022015). Collection method: clinical testing. Allele origin: germline.
Comment: This sequence change replaces glutamic acid, which is acidic and polar, with lysine, which is basic and polar, at codon 194 of the ADA2 protein (p.Glu194Lys). This variant is not present in population databases (gnomAD no frequency). This variant has not been reported in the literature in individuals affected with ADA2-related conditions. Algorithms developed to predict the effect of missense changes on protein structure and function are either unavailable or do not agree on the potential impact of this missense change (SIFT: "Deleterious"; PolyPhen-2: "Benign"; Align-GVGD: "Class C0"). In summary, the available evidence is currently insufficient to determine the role of this variant in disease. Therefore, it has been classified as a Variant of Uncertain Significance.

NM_001282225.2(ADA2):c.580G>A (p.Glu194Lys)

Gene: ADA2 (adenosine deaminase 2; minus strand). Cytogenetic location: 22q11.1.
Variant type: single nucleotide variant.
Coding change: c.580G>A on transcript NM_001282225.2 (MANE Select); coding-DNA position 580, G replaced by A.
Protein change: p.Glu194Lys; replaces glutamic acid 194 with lysine.
Molecular consequence: missense variant.
Genome position (GRCh38, 1-based): chr22:17,203,736, C>T on the plus strand (G>A on the coding strand, the complement: ADA2 is on the minus strand). VCF-style: chr22-17203736-C-T. GRCh37 (hg19) VCF-style: chr22-17684626-C-T.
Other names: c.580G>A, p.Glu194Lys (NM_001282226.2); c.454G>A, p.Glu152Lys (NM_001282227.2, NM_001282228.2); c.220G>A, p.Glu74Lys (NM_001282229.2); short protein forms E152K, E74K, E194K.
Identifiers: ClinVar variation 2112369 (VCV002112369.4), dbSNP rs2517346823, ClinGen allele CA410228769.